The following is an entry in ClinVar:

ClinVar aggregate classification (germline): Conflicting classifications of pathogenicity. Review status: criteria provided, conflicting classifications (1 of 4 stars). 5 submissions from 5 submitters: Uncertain significance (1); Likely benign (2). 2 of the submissions do not count toward it. Last evaluated 2026-01-27.

Conditions:
VPS13B-related disorder. Also called: VPS13B-related condition.
Cohen syndrome (COH1). Also called: PEPPER SYNDROME; Cutis verticis gyrata, retinitis pigmentosa, and sensorineural deafness. Identifiers: Orphanet 193, MedGen C0265223, MONDO:0008999, OMIM 216550.

Allele frequency attached by ClinVar (database versions not stated): gnomAD exomes 0.00005 and 0.00015; gnomAD 0.00010; TOPMed 0.00012; ExAC 0.00017; 1000 Genomes Project 30x 0.00031; 1000 Genomes Project 0.00040.
gnomAD v4.1: 87 of 1,614,018 alleles (0.0054%); highest among the groups gnomAD compares: East Asian, 0.18%; no homozygotes.

Submissions (5):

Labcorp Genetics (formerly Invitae), Labcorp
Classification: Likely benign for Cohen syndrome. Last evaluated: 2026-01-27. Review status: criteria provided, single submitter. Criteria: Invitae Variant Classification Sherloc (09022015). Collection method: clinical testing. Allele origin: germline.

Blueprint Genetics
Classification: Likely benign. Last evaluated: 2024-09-25. Review status: criteria provided, single submitter. Criteria: ACMG Guidelines, 2015. Collection method: clinical testing. Allele origin: germline.

Illumina Laboratory Services, Illumina
Classification: Uncertain significance for Cohen syndrome. Last evaluated: 2018-01-12. Review status: criteria provided, single submitter. Criteria: ICSL Variant Classification Criteria 13 December 2019. Collection method: clinical testing. Allele origin: germline.

Natera, Inc.
Classification: Likely benign for Cohen syndrome. Last evaluated: 2020-01-07. Review status: no assertion criteria provided. Collection method: clinical testing. Allele origin: germline. Not counted in ClinVar's aggregate classification.

PreventionGenetics, part of Exact Sciences
Classification: Likely benign for VPS13B-related condition. Last evaluated: 2019-09-10. Review status: no assertion criteria provided. Collection method: clinical testing. Allele origin: germline. Not counted in ClinVar's aggregate classification.
Comment: This variant is classified as likely benign based on ACMG/AMP sequence variant interpretation guidelines (Richards et al. 2015 PMID: 25741868, with internal and published modifications).

NM_152564.5(VPS13B):c.3297A>C (p.Thr1099=)

Gene: VPS13B (vacuolar protein sorting 13 homolog B; plus strand). Cytogenetic location: 8q22.2.
Variant type: single nucleotide variant.
Coding change: c.3297A>C on transcript NM_152564.5 (MANE Select); coding-DNA position 3297, A replaced by C.
Protein change: p.Thr1099=; no amino-acid change (threonine 1099 retained).
Molecular consequence: synonymous variant.
Genome position (GRCh38, 1-based): chr8:99,442,487, A>C. VCF-style: chr8-99442487-A-C. GRCh37 (hg19) VCF-style: chr8-100454715-A-C.
Other names: c.3297A>C (NM_152564.4); c.3297A>C, p.Thr1099= (NM_017890.5).
Identifiers: ClinVar variation 361056 (VCV000361056.22), dbSNP rs200982547, ClinGen allele CA4823219.